The following is an entry in ClinVar:

ClinVar aggregate classification (germline): Uncertain significance (1 of 4 stars; one submission).

Allele frequency attached by ClinVar (database versions not stated): gnomAD exomes below 0.00001 and 0.00001; TOPMed 0.00001.

Submission:

Labcorp Genetics (formerly Invitae), Labcorp
Classification: Uncertain significance. Last evaluated: 2022-06-27. Review status: criteria provided, single submitter. Criteria: Invitae Variant Classification Sherloc (09022015). Collection method: clinical testing. Allele origin: germline.
Comment: This variant has not been reported in the literature in individuals affected with FSCN2-related conditions. ClinVar contains an entry for this variant (Variation ID: 1052259). Algorithms developed to predict the effect of missense changes on protein structure and function are either unavailable or do not agree on the potential impact of this missense change (SIFT: "Tolerated"; PolyPhen-2: "Probably Damaging"; Align-GVGD: "Class C0"). In summary, the available evidence is currently insufficient to determine the role of this variant in disease. Therefore, it has been classified as a Variant of Uncertain Significance. This sequence change replaces proline, which is neutral and non-polar, with serine, which is neutral and polar, at codon 106 of the FSCN2 protein (p.Pro106Ser). The frequency data for this variant in the population databases is considered unreliable, as metrics indicate poor data quality at this position in the gnomAD database.

NM_012418.4(FSCN2):c.316C>T (p.Pro106Ser)

Gene: FSCN2 (fascin actin-bundling protein 2, retinal; plus strand). Cytogenetic location: 17q25.3.
Variant type: single nucleotide variant.
Coding change: c.316C>T on transcript NM_012418.4 (MANE Select); coding-DNA position 316, C replaced by T.
Protein change: p.Pro106Ser; replaces proline 106 with serine.
Molecular consequence: missense variant.
Genome position (GRCh38, 1-based): chr17:81,528,847, C>T. VCF-style: chr17-81528847-C-T. GRCh37 (hg19) VCF-style: chr17-79495873-C-T.
Other names: c.316C>T, p.Pro106Ser (NM_001077182.3); short protein forms P106S.
Identifiers: ClinVar variation 1052259 (VCV001052259.10), dbSNP rs1555670624, ClinGen allele CA401470506.